The following is an entry in ClinVar:

ClinVar aggregate classification (germline): Likely benign. Review status: criteria provided, multiple submitters, no conflicts (2 of 4 stars). 2 submissions from 2 submitters: Likely benign (2). Last evaluated 2025-06-01.

Allele frequency attached by ClinVar (database versions not stated): ExAC 0.00005; gnomAD 0.00007; TOPMed 0.00011.
gnomAD v4.1: 171 of 1,506,388 alleles (0.011%); highest among the groups gnomAD compares: Non-Finnish European, 0.015%; no homozygotes.

Submissions (2):

CeGaT Center for Human Genetics Tuebingen
Classification: Likely benign. Last evaluated: 2025-06-01. Review status: criteria provided, single submitter. Criteria: CeGaT Center For Human Genetics Tuebingen Variant Classification Criteria Version 2. Collection method: clinical testing. Allele origin: germline. Affected: yes. Observed: 3 variant alleles.
Comment: VARS1: BP4, BP7

Blueprint Genetics
Classification: Likely benign. Last evaluated: 2024-10-11. Review status: criteria provided, single submitter. Criteria: ACMG Guidelines, 2015. Collection method: clinical testing. Allele origin: germline.

NM_006295.3(VARS1):c.135C>T (p.Pro45=)

Gene: VARS1 (valyl-tRNA synthetase 1; minus strand). Cytogenetic location: 6p21.33.
Variant type: single nucleotide variant.
Coding change: c.135C>T on transcript NM_006295.3 (MANE Select); coding-DNA position 135, C replaced by T.
Protein change: p.Pro45=; no amino-acid change (proline 45 retained).
Molecular consequence: synonymous variant.
Genome position (GRCh38, 1-based): chr6:31,795,083, G>A on the plus strand (C>T on the coding strand, the complement: VARS1 is on the minus strand). VCF-style: chr6-31795083-G-A. GRCh37 (hg19) VCF-style: chr6-31762860-G-A.
Identifiers: ClinVar variation 3025324 (VCV003025324.23), dbSNP rs764852749, ClinGen allele CA3723640.
Genomic context (GRCh38, chr6:31,795,083, plus strand): 5'-ACCGGGCCCCTGCTCCAGGGCCGGCAGGCGGGGTGGGGGAAAGGGAGTCCTGCTAGTCGG[G>A]GGTGGCTGGAGACAGATGCGGGGGTGGGCTCCTCCCCATCCGGGACCCTCCCCAGCCTCC-3'
Protein context (NP_006286.1, residues 35-55): GAHPRICLQP[Pro45=]PTSRTPFPPP